The following is an entry in ClinVar:

ClinVar aggregate classification (germline): Likely benign (0 of 4 stars; one submission).

Conditions:
HERC1-related disorder. Also called: HERC1-related condition.

Submission:

PreventionGenetics, part of Exact Sciences
Classification: Likely benign for HERC1-related condition. Last evaluated: 2020-11-11. Review status: no assertion criteria provided. Collection method: clinical testing. Allele origin: germline.
Comment: This variant is classified as likely benign based on ACMG/AMP sequence variant interpretation guidelines (Richards et al. 2015 PMID: 25741868, with internal and published modifications).

NM_003922.4(HERC1):c.7847-10del

Gene: HERC1 (HECT and RLD domain containing E3 ubiquitin protein ligase family member 1; minus strand). Cytogenetic location: 15q22.31.
Variant type: Deletion.
Coding change: c.7847-10del on transcript NM_003922.4 (MANE Select); 10 bases into the intron before coding-DNA position 7847, one base deleted (T; older notation c.7847-10delT).
Molecular consequence: intron variant.
Genome position (GRCh38, 1-based): chr15:63,672,704, A deleted on the plus strand (T on the coding strand, the reverse complement: HERC1 is on the minus strand); the first of 8 consecutive A bases (chr15:63,672,704-63,672,711); deleting any one gives the same sequence. VCF-style (leftmost placement, unchanged base first): chr15-63672703-CA-C. GRCh37 (hg19) VCF-style: chr15-63964902-CA-C.
Identifiers: ClinVar variation 3048949 (VCV003048949.2), dbSNP rs753266212, ClinGen allele CA7605073.